The following is an entry in ClinVar:

ClinVar aggregate classification (germline): Uncertain significance (1 of 4 stars; one submission).

Conditions:
Congenital myotonia, autosomal dominant form (THD). Also called: THOMSEN DISEASE; Myotonia congenita autosomal dominant. Identifiers: Orphanet 614, MedGen C2936781, MONDO:0008055, OMIM 160800.
Congenital myotonia, autosomal recessive form. Also called: BECKER DISEASE; myotonia congenita, autosomal recessive; Becker Generalized Myotonia. Identifiers: Orphanet 614, MedGen C0751360, MONDO:0009715, OMIM 255700.

Allele frequency attached by ClinVar (database versions not stated): ExAC 0.00002; gnomAD exomes 0.00002; TOPMed 0.00002.
gnomAD v4.1: 31 of 1,613,514 alleles (0.0019%); highest among the groups gnomAD compares: Admixed American, 0.0033%; no homozygotes.

Submission:

Labcorp Genetics (formerly Invitae), Labcorp
Classification: Uncertain significance for Congenital myotonia, autosomal recessive form; Congenital myotonia, autosomal dominant form. Last evaluated: 2025-08-18. Review status: criteria provided, single submitter. Criteria: Invitae Variant Classification Sherloc (09022015). Collection method: clinical testing. Allele origin: germline.
Comment: This sequence change replaces aspartic acid, which is acidic and polar, with glycine, which is neutral and non-polar, at codon 344 of the CLCN1 protein (p.Asp344Gly). This variant is present in population databases (rs762751787, gnomAD 0.006%). This variant has not been reported in the literature in individuals affected with CLCN1-related conditions. ClinVar contains an entry for this variant (Variation ID: 2198635). Invitae Evidence Modeling of protein sequence and biophysical properties (such as structural, functional, and spatial information, amino acid conservation, physicochemical variation, residue mobility, and thermodynamic stability) indicates that this missense variant is expected to disrupt CLCN1 protein function with a positive predictive value of 80%. In summary, the available evidence is currently insufficient to determine the role of this variant in disease. Therefore, it has been classified as a Variant of Uncertain Significance.

NM_000083.3(CLCN1):c.1031A>G (p.Asp344Gly)

Gene: CLCN1 (chloride voltage-gated channel 1; plus strand). Cytogenetic location: 7q34.
Variant type: single nucleotide variant.
Coding change: c.1031A>G on transcript NM_000083.3 (MANE Select); coding-DNA position 1031, A replaced by G.
Protein change: p.Asp344Gly; replaces aspartic acid 344 with glycine.
Molecular consequence: missense variant. On other transcripts: non-coding transcript variant (1).
Genome position (GRCh38, 1-based): chr7:143,331,283, A>G. VCF-style: chr7-143331283-A-G. GRCh37 (hg19) VCF-style: chr7-143028376-A-G.
Other names: short protein forms D344G.
Identifiers: ClinVar variation 2198635 (VCV002198635.2), dbSNP rs762751787, ClinGen allele CA4537210.